The following is an entry in ClinVar:

ClinVar aggregate classification (germline): Uncertain significance (1 of 4 stars; one submission).

Conditions:
Walker-Warburg congenital muscular dystrophy. Also called: Muscular dystrophy-dystroglycanopathy, type A; Walker-Warburg syndrome. Identifiers: Orphanet 899, MedGen C0265221, MONDO:0000171.

Submission:

Labcorp Genetics (formerly Invitae), Labcorp
Classification: Uncertain significance for Walker-Warburg congenital muscular dystrophy. Last evaluated: 2022-09-27. Review status: criteria provided, single submitter. Criteria: Invitae Variant Classification Sherloc (09022015). Collection method: clinical testing. Allele origin: germline.
Comment: In summary, the available evidence is currently insufficient to determine the role of this variant in disease. Therefore, it has been classified as a Variant of Uncertain Significance. This sequence change replaces aspartic acid, which is acidic and polar, with glutamic acid, which is acidic and polar, at codon 371 of the FKRP protein (p.Asp371Glu). This variant is not present in population databases (gnomAD no frequency). This variant has not been reported in the literature in individuals affected with FKRP-related conditions. ClinVar contains an entry for this variant (Variation ID: 942749). Advanced modeling of protein sequence and biophysical properties (such as structural, functional, and spatial information, amino acid conservation, physicochemical variation, residue mobility, and thermodynamic stability) has been performed at Invitae for this missense variant, however the output from this modeling did not meet the statistical confidence thresholds required to predict the impact of this variant on FKRP protein function.

NM_024301.5(FKRP):c.1113C>A (p.Asp371Glu)

Gene: FKRP (fukutin related protein; plus strand). Cytogenetic location: 19q13.32.
Variant type: single nucleotide variant.
Coding change: c.1113C>A on transcript NM_024301.5 (MANE Select); coding-DNA position 1113, C replaced by A.
Protein change: p.Asp371Glu; replaces aspartic acid 371 with glutamic acid.
Molecular consequence: missense variant.
Genome position (GRCh38, 1-based): chr19:46,756,563, C>A. VCF-style: chr19-46756563-C-A. GRCh37 (hg19) VCF-style: chr19-47259820-C-A.
Other names: c.1113C>A, p.Asp371Glu (NM_001039885.3); short protein forms D371E.
Identifiers: ClinVar variation 942749 (VCV000942749.9), dbSNP rs2054930576, ClinGen allele CA406496677.